The following is an entry in ClinVar:

NM_002691.4(POLD1):c.1243-20A>G

Gene: POLD1 (DNA polymerase delta 1, catalytic subunit; plus strand). Cytogenetic location: 19q13.33.
Variant type: single nucleotide variant.
Coding change: c.1243-20A>G on transcript NM_002691.4 (MANE Select); 20 bases into the intron before coding-DNA position 1243, A replaced by G.
Molecular consequence: intron variant.
Genome position (GRCh38, 1-based): chr19:50,406,162, A>G. VCF-style: chr19-50406162-A-G. GRCh37 (hg19) VCF-style: chr19-50909419-A-G.
Other names: c.1243-20A>G (NM_001256849.1, NM_001308632.1).
Identifiers: ClinVar variation 2123310 (VCV002123310.5), dbSNP rs1601214948, ClinGen allele CA2580097605.

ClinVar aggregate classification (germline): Conflicting classifications of pathogenicity. Review status: criteria provided, conflicting classifications (1 of 4 stars). 2 submissions from 2 submitters: Uncertain significance (1); Likely benign (1). Last evaluated 2025-02-05.

Conditions:
POLD1-related polyposis and colorectal cancer syndrome (CRCS10). Also called: Colorectal cancer 10; COLORECTAL CANCER, SUSCEPTIBILITY TO, ON CHROMOSOME 19q; Colorectal cancer, susceptibility to, 10. Identifiers: Orphanet 220460, MedGen C2675481, MONDO:0012953, OMIM 612591.

gnomAD v4.1: 1 of 1,608,136 alleles (0.000062%); highest among the groups gnomAD compares: Non-Finnish European, 0.000085%; no homozygotes.

Submissions (2):

Myriad Genetics, Inc.
Classification: Likely benign for POLD1-related polyposis and colorectal cancer syndrome. Last evaluated: 2025-02-05. Review status: criteria provided, single submitter. Criteria: Myriad Autosomal Dominant, Autosomal Recessive and X-Linked Classification Criteria (2023). Collection method: clinical testing. Allele origin: unknown.
Comment: This variant is considered likely benign. This variant is intronic and is not expected to impact mRNA splicing.

Labcorp Genetics (formerly Invitae), Labcorp
Classification: Uncertain significance for POLD1-related polyposis and colorectal cancer syndrome. Last evaluated: 2023-03-20. Review status: criteria provided, single submitter. Criteria: Invitae Variant Classification Sherloc (09022015). Collection method: clinical testing. Allele origin: germline.
Comment: This sequence change falls in intron 10 of the POLD1 gene. It does not directly change the encoded amino acid sequence of the POLD1 protein. This variant is not present in population databases (gnomAD no frequency). This variant has not been reported in the literature in individuals affected with POLD1-related conditions. ClinVar contains an entry for this variant (Variation ID: 2123310). Algorithms developed to predict the effect of sequence changes on RNA splicing suggest that this variant may create or strengthen a splice site. In summary, the available evidence is currently insufficient to determine the role of this variant in disease. Therefore, it has been classified as a Variant of Uncertain Significance.